The following is an entry in ClinVar:

ClinVar aggregate classification (germline): Uncertain significance (1 of 4 stars; one submission).

Allele frequency attached by ClinVar (database versions not stated): gnomAD exomes 0.00001.
gnomAD v4.1: 3 of 1,612,388 alleles (0.00019%); highest among the groups gnomAD compares: Non-Finnish European, 0.00025%; no homozygotes.

Submission:

Labcorp Genetics (formerly Invitae), Labcorp
Classification: Uncertain significance. Last evaluated: 2022-09-25. Review status: criteria provided, single submitter. Criteria: Invitae Variant Classification Sherloc (09022015). Collection method: clinical testing. Allele origin: germline.
Comment: In summary, the available evidence is currently insufficient to determine the role of this variant in disease. Therefore, it has been classified as a Variant of Uncertain Significance. Algorithms developed to predict the effect of sequence changes on RNA splicing suggest that this variant may disrupt the consensus splice site. This variant has not been reported in the literature in individuals affected with CSF2RB-related conditions. This variant is not present in population databases (gnomAD no frequency). This sequence change affects codon 414 of the CSF2RB mRNA. It is a 'silent' change, meaning that it does not change the encoded amino acid sequence of the CSF2RB protein.

NM_000395.3(CSF2RB):c.1242C>T (p.Val414=)

Gene: CSF2RB (colony stimulating factor 2 receptor subunit beta; plus strand). Cytogenetic location: 22q12.3.
Variant type: single nucleotide variant.
Coding change: c.1242C>T on transcript NM_000395.3 (MANE Select); coding-DNA position 1242, C replaced by T.
Protein change: p.Val414=; no amino-acid change (valine 414 retained).
Molecular consequence: synonymous variant.
Genome position (GRCh38, 1-based): chr22:36,933,921, C>T. VCF-style: chr22-36933921-C-T. GRCh37 (hg19) VCF-style: chr22-37329963-C-T.
Other names: c.1260C>T, p.Val420= (NM_001410827.1).
Identifiers: ClinVar variation 2123321 (VCV002123321.4), dbSNP rs2517999345, ClinGen allele CA514371524.
Genomic context (GRCh38, chr22:36,933,921, plus strand): 5'-CCACAGCATGGCCCTGCCAGCCCTGGAGCCCTCCACCAGGTACTGGGCCAGGGTGAGGGT[C>T]AGGACCTCCCGCACCGGCTACAACGGGATCTGGAGCGAGTGGAGTGAGGCGCGCTCCTGG-3'
Protein context (NP_000386.1, residues 404-424): PSTRYWARVR[Val414=]RTSRTGYNGI